The following is an entry in ClinVar:

NM_017654.4(SAMD9):c.4570C>A (p.Gln1524Lys)

Gene: SAMD9 (sterile alpha motif domain containing 9; minus strand). Cytogenetic location: 7q21.2.
Variant type: single nucleotide variant.
Coding change: c.4570C>A on transcript NM_017654.4 (MANE Select); coding-DNA position 4570, C replaced by A.
Protein change: p.Gln1524Lys; replaces glutamine 1524 with lysine.
Molecular consequence: missense variant.
Genome position (GRCh38, 1-based): chr7:93,101,528, G>T on the plus strand (C>A on the coding strand, the complement: SAMD9 is on the minus strand). VCF-style: chr7-93101528-G-T. GRCh37 (hg19) VCF-style: chr7-92730841-G-T.
Other names: c.4570C>A, p.Gln1524Lys (NM_001193307.2); short protein forms Q1524K.
Identifiers: ClinVar variation 5038388 (VCV005038388.1).
Genomic context (GRCh38, chr7:93,101,528, plus strand): 5'-CATATTCTATATATAAACAATTGTTTTCAGCTCGACCTTGTAAACGAAGCAAAAGTTCTT[G>T]GACTTTTTCCTCCTTCCACACATCTCCACTCTGCCACAAGGAATTAATATCTGGTGTCTT-3'
Protein context (NP_060124.2, residues 1514-1534): SGDVWKEEKV[Gln1524Lys]ELLLRLQGRA

ClinVar aggregate classification (germline): Uncertain significance (1 of 4 stars; one submission).

Conditions:
Monosomy 7 myelodysplasia and leukemia syndrome 2. Identifiers: MedGen C5436668, MONDO:0030801, OMIM 619041.

Submission:

St. Jude Molecular Pathology, St. Jude Children's Research Hospital
Classification: Uncertain significance for Monosomy 7 myelodysplasia and leukemia syndrome 2. Last evaluated: 2026-10-01. Review status: criteria provided, single submitter. Criteria: St. Jude Assertion Criteria 2020. Collection method: clinical testing. Allele origin: germline.
Comment: The SAMD9 c.4570C>A p.(Gln1524Lys) missense change is absent i n gnomAD v2.1.1. The in silico tool REVEL predicts a benign effect on protein function, however in silico predictions have not been found to correlate with syndromic risk and are thus not considered supporting evidenc e of a pathogenic or benign effect (PMID: 34621053). To our knowledge, this variant has not been reported in individuals with SAMD9-associated conditions. In summary, the evidence currently available is insufficient to determine the clinical significance of this variant. It has therefore been classified as of uncertain significance.